The following is an entry in ClinVar:

ClinVar aggregate classification (germline): Uncertain significance (1 of 4 stars; one submission).

Submission:

GeneDx
Classification: Uncertain significance. Last evaluated: 2026-02-17. Review status: criteria provided, single submitter. Criteria: GeneDx Variant Classification Process June 2021. Collection method: clinical testing. Allele origin: germline.
Comment: Not observed at significant frequency in large population cohorts (gnomAD); In silico analysis suggests that this missense variant does not alter protein structure/function; Has not been previously published as pathogenic or benign to our knowledge

NM_016333.4(SRRM2):c.8012G>A (p.Gly2671Asp)

Gene: SRRM2 (serine/arginine repetitive matrix 2; plus strand). Cytogenetic location: 16p13.3.
Variant type: single nucleotide variant.
Coding change: c.8012G>A on transcript NM_016333.4 (MANE Select); coding-DNA position 8012, G replaced by A.
Protein change: p.Gly2671Asp; replaces glycine 2671 with aspartic acid.
Molecular consequence: missense variant.
Genome position (GRCh38, 1-based): chr16:2,769,275, G>A. VCF-style: chr16-2769275-G-A. GRCh37 (hg19) VCF-style: chr16-2819276-G-A.
Other names: short protein forms G2671D.
Identifiers: ClinVar variation 5008734 (VCV005008734.1).